The following is an entry in ClinVar:

NM_020693.4(DSCAML1):c.5849G>C (p.Ser1950Thr)

Gene: DSCAML1 (DS cell adhesion molecule like 1; minus strand). Cytogenetic location: 11q23.3.
Variant type: single nucleotide variant.
Coding change: c.5849G>C on transcript NM_020693.4 (MANE Select); coding-DNA position 5849, G replaced by C.
Protein change: p.Ser1950Thr; replaces serine 1950 with threonine.
Molecular consequence: missense variant.
Genome position (GRCh38, 1-based): chr11:117,428,641, C>G on the plus strand (G>C on the coding strand, the complement: DSCAML1 is on the minus strand). VCF-style: chr11-117428641-C-G. GRCh37 (hg19) VCF-style: chr11-117299357-C-G.
Other names: short protein forms S1950T.
Identifiers: ClinVar variation 3673973 (VCV003673973.2).

ClinVar aggregate classification (germline): Uncertain significance (1 of 4 stars; one submission).

gnomAD v4.1: 4 of 1,611,290 alleles (0.00025%); highest among the groups gnomAD compares: East Asian, 0.0089%; no homozygotes.

Submission:

Labcorp Genetics (formerly Invitae), Labcorp
Classification: Uncertain significance. Last evaluated: 2024-10-31. Review status: criteria provided, single submitter. Criteria: Invitae Variant Classification Sherloc (09022015). Collection method: clinical testing. Allele origin: germline.
Comment: This sequence change replaces serine, which is neutral and polar, with threonine, which is neutral and polar, at codon 2010 of the DSCAML1 protein (p.Ser2010Thr). This variant is present in population databases (rs762531603, gnomAD 0.01%). This variant has not been reported in the literature in individuals affected with DSCAML1-related conditions. An algorithm developed to predict the effect of missense changes on protein structure and function (PolyPhen-2) suggests that this variant is likely to be tolerated. In summary, the available evidence is currently insufficient to determine the role of this variant in disease. Therefore, it has been classified as a Variant of Uncertain Significance.